The following is an entry in ClinVar:

NM_000135.4(FANCA):c.2317-30_2317-1del

Gene: FANCA (FA complementation group A; minus strand). Cytogenetic location: 16q24.3.
Variant type: Deletion.
Coding change: c.2317-30_2317-1del on transcript NM_000135.4 (MANE Select); 30 bases into the intron before coding-DNA position 2317 through the canonical splice acceptor site of the intron before coding-DNA position 2317, 30 bases deleted (TCTGCTCTGCCACCCTCATTCTCGTTGCAG).
Molecular consequence: splice acceptor variant.
Genome position (GRCh38, 1-based): chr16:89,770,025-89,770,054, CTGCAACGAGAATGAGGGTGGCAGAGCAGA deleted on the plus strand (TCTGCTCTGCCACCCTCATTCTCGTTGCAG on the coding strand, the reverse complement: FANCA is on the minus strand); deleting any 30 consecutive bases within chr16:89,770,025-89,770,058 gives the same sequence; the c. name uses the placement nearest the transcript's 3' end. VCF-style (leftmost placement, unchanged base first): chr16-89770024-CCTGCAACGAGAATGAGGGTGGCAGAGCAGA-C. GRCh37 (hg19) VCF-style: chr16-89836432-CCTGCAACGAGAATGAGGGTGGCAGAGCAGA-C.
Other names: c.2317-30_2317-1del (NM_001286167.3).
Identifiers: ClinVar variation 3237193 (VCV003237193.1), dbSNP rs2544196390.

ClinVar aggregate classification (germline): Pathogenic (1 of 4 stars; one submission).

Conditions:
Fanconi anemia complementation group A (FANCA). Also called: Fanconi anemia, group A; FANCA-Related Fanconi Anemia. Identifiers: Orphanet 84, MedGen C3469521, MONDO:0009215, OMIM 227650.

Submission:

HUSP Clinical Genetics Laboratory, Hospital Universitario San Pedro De Logroño (HUSP)
Classification: Pathogenic for Fanconi anemia complementation group A. Review status: criteria provided, single submitter. Criteria: ACMG Guidelines, 2015. Collection method: clinical testing. Allele origin: unknown. Inheritance: Autosomal recessive inheritance. Affected: yes. Observed: 1 variant allele.
Comment: The variant c.2317-30_2317-1del is found in the last 30 nucleotides of 25 intron, which results in a canonical splicing donor modification, changing the conventional splicing process. This variant is not detected in general population and has not been reported in pathogenic data bases. Pathogenic variants in FANCA have been associated with Fanconi anemia (OMIM: 607139).This clinical entity is characterized by bone marrow failure, abnormal skin pigmentation, skeletal malformations, microcephaly, ophthalmological disorders, genitourinary tract anomalies and susceptibility to cancer. This entity has autosomal recessive inheritance.